The following is an entry in ClinVar:

NM_001353214.3(DYM):c.1282C>T (p.Arg428Ter)

Gene: DYM (dymeclin; minus strand). Cytogenetic location: 18q21.1.
Variant type: single nucleotide variant.
Coding change: c.1282C>T on transcript NM_001353214.3 (MANE Select); coding-DNA position 1282, C replaced by T.
Protein change: p.Arg428Ter; replaces arginine 428 with a stop codon.
Molecular consequence: nonsense.
Genome position (GRCh38, 1-based): chr18:49,258,463, G>A on the plus strand (C>T on the coding strand, the complement: DYM is on the minus strand). VCF-style: chr18-49258463-G-A. GRCh37 (hg19) VCF-style: chr18-46784833-G-A.
Other names: c.1279C>T, p.Arg427Ter (NM_001353210.3, NM_001353211.3, NM_001353212.3 and 3 more transcripts); c.1282C>T, p.Arg428Ter (NM_001353215.3, NM_001353216.3, NM_001374428.1 and 5 more transcripts); c.1276C>T, p.Arg426Ter (NM_001374429.1, NM_001374439.1); c.1156C>T, p.Arg386Ter (NM_001374432.1, NM_001374436.1); c.1099C>T, p.Arg367Ter (NM_001374437.1); c.1054C>T, p.Arg352Ter (NM_001374440.1); c.712C>T, p.Arg238Ter (NM_001374441.1, NM_001374442.1, NM_001374444.1); c.709C>T, p.Arg237Ter (NM_001374443.1); short protein forms R428*, R427*, R237*, R238*, R352*, R367*, R386*, R426*.
Identifiers: ClinVar variation 191092 (VCV000191092.7), dbSNP rs771414481, ClinGen allele CA235997.

ClinVar aggregate classification (germline): Pathogenic/Likely pathogenic. Review status: criteria provided, multiple submitters, no conflicts (2 of 4 stars). 3 submissions from 3 submitters: Pathogenic (2); Likely pathogenic (1). Last evaluated 2025-03-17.

Conditions:
Dyggve-Melchior-Clausen syndrome (DMC). Also called: Dyggve-Melchior-Clausen disease; DMC syndrome. Identifiers: Orphanet 239, MedGen C0265286, MONDO:0009130, OMIM 223800.

Allele frequency attached by ClinVar (database versions not stated): gnomAD exomes below 0.00001 and 0.00001; ExAC 0.00001; TOPMed 0.00001.
gnomAD v4.1: 5 of 1,612,100 alleles (0.00031%); highest among the groups gnomAD compares: East Asian, 0.0022%; no homozygotes.

Submissions (3):

Labcorp Genetics (formerly Invitae), Labcorp
Classification: Pathogenic. Last evaluated: 2025-03-17. Review status: criteria provided, single submitter. Criteria: Invitae Variant Classification Sherloc (09022015). Collection method: clinical testing. Allele origin: germline.
Comment: This sequence change creates a premature translational stop signal (p.Arg428*) in the DYM gene. It is expected to result in an absent or disrupted protein product. Loss-of-function variants in DYM are known to be pathogenic (PMID: 12491225, 12554689, 18996921). This variant is present in population databases (rs771414481, gnomAD 0.003%). This premature translational stop signal has been observed in individual(s) with Dyggve-Melchior-Clausen disease (PMID: 29620724). ClinVar contains an entry for this variant (Variation ID: 191092). For these reasons, this variant has been classified as Pathogenic.

Clinical Biomedical Laboratory, Shriners Hospital For Children - Canada
Classification: Pathogenic for Dyggve-Melchior-Clausen syndrome. Review status: criteria provided, single submitter. Criteria: ACMG Guidelines, 2015. Collection method: clinical testing. Allele origin: germline. Affected: yes.
Comment: This variant is predicted to substitute an arginine residue by a stop codon. This is expected to lead to degradation of the affected transcript and loss of function of the affected allele. Biallelic loss of function variants in DYM are associated with Dyggve-Melchior-Clausen disease, which has considerable overlap with the phenotype reported for the proband (PMID 38860472). This variant is not present in significant numbers in the Genome Aggregation Database (v2.1.1.), indicating it is very rare. This variant has been reported in the literature as a cause of Dyggve-Melchior-Clausen disease several times (e.g., PMID 29620724). Based on the ACMG variant interpretation guidelines (criteria: PVS1, PS3, PM2, PP3), the available evidence supports classification of this variant as pathogenic.

Genomic Medicine Center of Excellence, King Faisal Specialist Hospital and Research Centre
Classification: Likely pathogenic. Review status: criteria provided, single submitter. Criteria: ACMG Guidelines, 2015. Collection method: research. Allele origin: germline. Affected: yes.

Literature cited by the submitters: PubMed 12491225 (cited by Labcorp Genetics (formerly Invitae), Labcorp); PubMed 12554689 (cited by Labcorp Genetics (formerly Invitae), Labcorp); PubMed 18996921 (cited by Labcorp Genetics (formerly Invitae), Labcorp); PubMed 29620724 (cited by Labcorp Genetics (formerly Invitae), Labcorp).